The following is an entry in ClinVar:

ClinVar aggregate classification (germline): Uncertain significance (1 of 4 stars; one submission).

gnomAD v4.1: 3 of 1,576,306 alleles (0.00019%); highest among the groups gnomAD compares: Non-Finnish European, 0.00026%; no homozygotes.

Submission:

Labcorp Genetics (formerly Invitae), Labcorp
Classification: Uncertain significance. Last evaluated: 2021-11-22. Review status: criteria provided, single submitter. Criteria: Invitae Variant Classification Sherloc (09022015). Collection method: clinical testing. Allele origin: germline.
Comment: In summary, the available evidence is currently insufficient to determine the role of this variant in disease. Therefore, it has been classified as a Variant of Uncertain Significance. Algorithms developed to predict the effect of missense changes on protein structure and function are either unavailable or do not agree on the potential impact of this missense change (SIFT: "Not Available"; PolyPhen-2: "Benign"; Align-GVGD: "Not Available"). This variant has not been reported in the literature in individuals affected with CEP250-related conditions. This variant is present in population databases (no rsID available, gnomAD 0.007%). This sequence change replaces threonine, which is neutral and polar, with proline, which is neutral and non-polar, at codon 2235 of the CEP250 protein (p.Thr2235Pro).

NM_007186.6(CEP250):c.6703A>C (p.Thr2235Pro)

Gene: CEP250 (centrosomal protein 250; plus strand). Cytogenetic location: 20q11.22.
Variant type: single nucleotide variant.
Coding change: c.6703A>C on transcript NM_007186.6 (MANE Select); coding-DNA position 6703, A replaced by C.
Protein change: p.Thr2235Pro; replaces threonine 2235 with proline.
Molecular consequence: missense variant.
Genome position (GRCh38, 1-based): chr20:35,507,804, A>C. VCF-style: chr20-35507804-A-C. GRCh37 (hg19) VCF-style: chr20-34095633-A-C.
Other names: c.4807A>C, p.Thr1603Pro (NM_001318219.1); short protein forms T2235P, T1603P.
Identifiers: ClinVar variation 1437990 (VCV001437990.5), dbSNP rs769634388, ClinGen allele CA408759533.